The following is an entry in ClinVar:

NM_004304.5(ALK):c.3610C>G (p.Leu1204Val)

Gene: ALK (ALK receptor tyrosine kinase; minus strand). Cytogenetic location: 2p23.2.
Variant type: single nucleotide variant.
Coding change: c.3610C>G on transcript NM_004304.5 (MANE Select); coding-DNA position 3610, C replaced by G.
Protein change: p.Leu1204Val; replaces leucine 1204 with valine.
Molecular consequence: missense variant.
Genome position (GRCh38, 1-based): chr2:29,220,741, G>C on the plus strand (C>G on the coding strand, the complement: ALK is on the minus strand). VCF-style: chr2-29220741-G-C. GRCh37 (hg19) VCF-style: chr2-29443607-G-C.
Other names: c.406C>G, p.Leu136Val (NM_001353765.2); short protein forms L1204V, L136V.
Identifiers: ClinVar variation 485085 (VCV000485085.6), dbSNP rs1553393864, ClinGen allele CA346473014.

ClinVar aggregate classification (germline): Uncertain significance. Review status: criteria provided, multiple submitters, no conflicts (2 of 4 stars). 2 submissions from 2 submitters: Uncertain significance (2). Last evaluated 2025-06-19.

Conditions:
Hereditary cancer-predisposing syndrome. Also called: Hereditary neoplastic syndrome; Neoplastic Syndromes, Hereditary; Tumor predisposition; Hereditary Cancer Syndrome. Identifiers: Orphanet 140162, MedGen C0027672, MeSH D009386, MONDO:0015356.
Neuroblastoma, susceptibility to, 3. Also called: ALK-Related Neuroblastic Tumor Susceptibility. Identifiers: Orphanet 635, MedGen C2751681, MONDO:0013083, OMIM 613014.

Allele frequency attached by ClinVar (database versions not stated): gnomAD exomes below 0.00001.
gnomAD v4.1: 2 of 1,613,794 alleles (0.00012%); highest among the groups gnomAD compares: South Asian, 0.0011%; no homozygotes.

Submissions (2):

Labcorp Genetics (formerly Invitae), Labcorp
Classification: Uncertain significance for Neuroblastoma, susceptibility to, 3. Last evaluated: 2025-06-19. Review status: criteria provided, single submitter. Criteria: Invitae Variant Classification Sherloc (09022015). Collection method: clinical testing. Allele origin: germline.
Comment: This sequence change replaces leucine, which is neutral and non-polar, with valine, which is neutral and non-polar, at codon 1204 of the ALK protein (p.Leu1204Val). This variant is not present in population databases (gnomAD no frequency). This variant has not been reported in the literature in individuals affected with ALK-related conditions. ClinVar contains an entry for this variant (Variation ID: 485085). An algorithm developed to predict the effect of missense changes on protein structure and function (PolyPhen-2) suggests that this variant is likely to be tolerated. In summary, the available evidence is currently insufficient to determine the role of this variant in disease. Therefore, it has been classified as a Variant of Uncertain Significance.

Ambry Genetics
Classification: Uncertain significance for Hereditary cancer-predisposing syndrome. Last evaluated: 2017-05-25. Review status: criteria provided, single submitter. Criteria: Ambry Variant Classification Scheme 2023. Collection method: clinical testing. Allele origin: germline.
Comment: The p.L1204V variant (also known as c.3610C>G), located in coding exon 23 of the ALK gene, results from a C to G substitution at nucleotide position 3610. The leucine at codon 1204 is replaced by valine, an amino acid with highly similar properties. This amino acid position is well conserved in available vertebrate species. In addition, this alteration is predicted to be deleterious by in silico analysis. Since supporting evidence is limited at this time, the clinical significance of this alteration remains unclear.